The following is an entry in ClinVar:

ClinVar aggregate classification (germline): Likely benign. Review status: criteria provided, multiple submitters, no conflicts (2 of 4 stars). 2 submissions from 2 submitters: Likely benign (2). Last evaluated 2018-01-13.

Conditions:
MEGF10-related myopathy (CMYO10A). Also called: Congenital myopathy 10A, severe variant. Identifiers: Orphanet 439212, MedGen C3280679, MONDO:0013731, OMIM 614399.

Allele frequency attached by ClinVar (database versions not stated): TOPMed 0.04640; gnomAD 0.04703; 1000 Genomes Project 30x 0.06340; 1000 Genomes Project 0.06649.

Submissions (2):

Illumina Laboratory Services, Illumina
Classification: Likely benign for MEGF10-related myopathy. Last evaluated: 2018-01-13. Review status: criteria provided, single submitter. Criteria: ICSL Variant Classification Criteria 13 December 2019. Collection method: clinical testing. Allele origin: germline.
Comment: This variant was observed in the ICSL laboratory as part of a predisposition screen in an ostensibly healthy population. It had not been previously curated by ICSL or reported in the Human Gene Mutation Database (HGMD: prior to June 1st, 2018), and was therefore a candidate for classification through an automated scoring system. Utilizing variant allele frequency, disease prevalence and penetrance estimates, and inheritance mode, an automated score was calculated to assess if this variant is too frequent to cause the disease. Based on the score and internal cut-off values, a variant classified as likely benign is not then subjected to further curation. The score for this variant resulted in a classification of likely benign for this disease.

Breakthrough Genomics
Classification: Likely benign. Review status: criteria provided, single submitter. Criteria: ACMG Guidelines, 2015. Collection method: not provided. Allele origin: germline. Inheritance: Autosomal recessive inheritance. Affected: yes.

NM_001256545.2(MEGF10):c.*1810C>T

Gene: MEGF10 (multiple EGF like domains 10; plus strand). Cytogenetic location: 5q23.2.
Variant type: single nucleotide variant.
Coding change: c.*1810C>T on transcript NM_001256545.2 (MANE Select); 1810 bases downstream of the stop codon, C replaced by T.
Molecular consequence: 3 prime UTR variant.
Genome position (GRCh38, 1-based): chr5:127,459,128, C>T. VCF-style: chr5-127459128-C-T. GRCh37 (hg19) VCF-style: chr5-126794820-C-T.
Other names: c.*1810C>T (NM_032446.3).
Identifiers: ClinVar variation 350696 (VCV000350696.6), dbSNP rs17685202, ClinGen allele CA10622541.
Genomic context (GRCh38, chr5:127,459,128, plus strand): 5'-ATCTTTTAAAGACATGAAATCCTATATGGCATTCTGTCTCAGTGAGTCAGTTAACAAATA[C>T]GTATGTGCAACCCTTCTGCTAGTAGTGCACATAAGTGATTATCCCTGCCAGGTATCGAGT-3'